The following is an entry in ClinVar:

ClinVar aggregate classification (germline): Uncertain significance. Review status: criteria provided, multiple submitters, no conflicts (2 of 4 stars). 2 submissions from 2 submitters: Uncertain significance (2). Last evaluated 2024-02-13.

Conditions:
Hereditary cancer-predisposing syndrome. Also called: Neoplastic Syndromes, Hereditary; Tumor predisposition; Hereditary Cancer Syndrome; Hereditary neoplastic syndrome. Identifiers: Orphanet 140162, MedGen C0027672, MeSH D009386, MONDO:0015356.
Familial cancer of breast. Also called: BREAST CANCER, FAMILIAL; Hereditary breast cancer; hereditary breast carcinoma. Identifiers: Orphanet 227535, MedGen C0346153, MONDO:0016419, OMIM 114480. Disease mechanism: loss of function.

Allele frequency attached by ClinVar (database versions not stated): gnomAD exomes below 0.00001; TOPMed below 0.00001; gnomAD 0.00001.
gnomAD v4.1: 2 of 1,613,154 alleles (0.00012%); highest among the groups gnomAD compares: African/African-American, 0.0013%; no homozygotes.

Submissions (2):

Ambry Genetics
Classification: Uncertain significance for Hereditary cancer-predisposing syndrome. Last evaluated: 2024-02-13. Review status: criteria provided, single submitter. Criteria: Ambry Variant Classification Scheme 2023. Collection method: clinical testing. Allele origin: germline.
Comment: The p.L528P variant (also known as c.1583T>C), located in coding exon 7 of the BARD1 gene, results from a T to C substitution at nucleotide position 1583. The leucine at codon 528 is replaced by proline, an amino acid with similar properties. This amino acid position is well conserved in available vertebrate species. In addition, this alteration is predicted to be deleterious by in silico analysis. Since supporting evidence is limited at this time, the clinical significance of this alteration remains unclear.

Labcorp Genetics (formerly Invitae), Labcorp
Classification: Uncertain significance for Familial cancer of breast. Last evaluated: 2021-02-14. Review status: criteria provided, single submitter. Criteria: Invitae Variant Classification Sherloc (09022015). Collection method: clinical testing. Allele origin: germline.
Comment: In summary, the available evidence is currently insufficient to determine the role of this variant in disease. Therefore, it has been classified as a Variant of Uncertain Significance. Algorithms developed to predict the effect of missense changes on protein structure and function are either unavailable or do not agree on the potential impact of this missense change (SIFT: "Tolerated"; PolyPhen-2: "Possibly Damaging"; Align-GVGD: "Class C0"). This variant has not been reported in the literature in individuals with BARD1-related conditions. ClinVar contains an entry for this variant (Variation ID: 819600). This variant is not present in population databases (ExAC no frequency). This sequence change replaces leucine with proline at codon 528 of the BARD1 protein (p.Leu528Pro). The leucine residue is moderately conserved and there is a moderate physicochemical difference between leucine and proline.

NM_000465.4(BARD1):c.1583T>C (p.Leu528Pro)

Gene: BARD1 (BRCA1 associated RING domain 1; minus strand). Cytogenetic location: 2q35.
Variant type: single nucleotide variant.
Coding change: c.1583T>C on transcript NM_000465.4 (MANE Select); coding-DNA position 1583, T replaced by C.
Protein change: p.Leu528Pro; replaces leucine 528 with proline.
Molecular consequence: missense variant. On other transcripts: non-coding transcript variant (3), intron variant (1).
Genome position (GRCh38, 1-based): chr2:214,752,541, A>G on the plus strand (T>C on the coding strand, the complement: BARD1 is on the minus strand). VCF-style: chr2-214752541-A-G. GRCh37 (hg19) VCF-style: chr2-215617265-A-G.
Other names: c.1526T>C, p.Leu509Pro (NM_001282543.2); c.230T>C, p.Leu77Pro (NM_001282545.2); c.173T>C, p.Leu58Pro (NM_001282548.2); c.365-22033T>C (NM_001282549.2); short protein forms L528P, L58P, L509P, L77P.
Identifiers: ClinVar variation 819600 (VCV000819600.13), dbSNP rs1301755370, ClinGen allele CA350455019.